The following is an entry in ClinVar:

ClinVar aggregate classification (germline): Uncertain significance (1 of 4 stars; one submission).

Submission:

Labcorp Genetics (formerly Invitae), Labcorp
Classification: Uncertain significance. Last evaluated: 2025-11-17. Review status: criteria provided, single submitter. Criteria: Invitae Variant Classification Sherloc (09022015). Collection method: clinical testing. Allele origin: germline.
Comment: This sequence change replaces leucine, which is neutral and non-polar, with histidine, which is basic and polar, at codon 1410 of the UNC80 protein (p.Leu1410His). This variant is not present in population databases (gnomAD no frequency). This variant has not been reported in the literature in individuals affected with UNC80-related conditions. Invitae Evidence Modeling of protein sequence and biophysical properties (such as structural, functional, and spatial information, amino acid conservation, physicochemical variation, residue mobility, and thermodynamic stability) indicates that this missense variant is not expected to disrupt UNC80 protein function with a negative predictive value of 80%. In summary, the available evidence is currently insufficient to determine the role of this variant in disease. Therefore, it has been classified as a Variant of Uncertain Significance.

NM_001371986.1(UNC80):c.4223T>A (p.Leu1408His)

Gene: UNC80 (unc-80 subunit of NALCN channel complex; plus strand). Cytogenetic location: 2q34.
Variant type: single nucleotide variant.
Coding change: c.4223T>A on transcript NM_001371986.1 (MANE Select); coding-DNA position 4223, T replaced by A.
Protein change: p.Leu1408His; replaces leucine 1408 with histidine.
Molecular consequence: missense variant.
Genome position (GRCh38, 1-based): chr2:209,888,207, T>A. VCF-style: chr2-209888207-T-A. GRCh37 (hg19) VCF-style: chr2-210752931-T-A.
Other names: c.4229T>A, p.Leu1410His (NM_032504.2); c.4214T>A, p.Leu1405His (NM_182587.4); short protein forms L1408H, L1410H, L1405H.
Identifiers: ClinVar variation 4742594 (VCV004742594.1).